The following is an entry in ClinVar:

NM_001903.5(CTNNA1):c.-2-12T>C

Gene: CTNNA1 (catenin alpha 1; plus strand). Cytogenetic location: 5q31.2.
Variant type: single nucleotide variant.
Coding change: c.-2-12T>C on transcript NM_001903.5 (MANE Select); 12 bases into the intron before 2 bases upstream of the start codon, T replaced by C.
Molecular consequence: intron variant.
Genome position (GRCh38, 1-based): chr5:138,781,911, T>C. VCF-style: chr5-138781911-T-C. GRCh37 (hg19) VCF-style: chr5-138117600-T-C.
Other names: c.-2-12T>C (NM_001323982.2, NM_001323984.2, NM_001290307.3 and 3 more transcripts); c.-208-12T>C (NM_001290310.3); c.-115-12T>C (NM_001290309.3).
Identifiers: ClinVar variation 3773298 (VCV003773298.1).
Genomic context (GRCh38, chr5:138,781,911, plus strand): 5'-AGGAGAAGATTTGTTACATATTTCATGTTTGTGTTTGATGTTTGCCTGACTGACTTTTTG[T>C]TTCTTATTTAGAAATGACTGCTGTCCATGCAGGCAACATAAACTTCAAGTGGGATCCTAA-3'

ClinVar aggregate classification (germline): Likely benign (1 of 4 stars; one submission).

Conditions:
Hereditary diffuse gastric adenocarcinoma (HDGC). Also called: DIFFUSE GASTRIC AND LOBULAR BREAST CANCER SYNDROME. Identifiers: Orphanet 26106, MedGen C1708349, MONDO:0007648, OMIM 137215.

Submission:

Myriad Genetics, Inc.
Classification: Likely benign for Hereditary diffuse gastric adenocarcinoma. Last evaluated: 2024-10-09. Review status: criteria provided, single submitter. Criteria: Myriad Autosomal Dominant, Autosomal Recessive and X-Linked Classification Criteria (2023). Collection method: clinical testing. Allele origin: unknown.
Comment: This variant is considered likely benign. This variant is intronic and is not expected to impact mRNA splicing.